The following is an entry in ClinVar:

NM_025207.5(FLAD1):c.647G>A (p.Gly216Asp)

Gene: FLAD1 (flavin adenine dinucleotide synthetase 1; plus strand). Cytogenetic location: 1q21.3.
Variant type: single nucleotide variant.
Coding change: c.647G>A on transcript NM_025207.5 (MANE Select); coding-DNA position 647, G replaced by A.
Protein change: p.Gly216Asp; replaces glycine 216 with aspartic acid.
Molecular consequence: missense variant.
Genome position (GRCh38, 1-based): chr1:154,988,379, G>A. VCF-style: chr1-154988379-G-A. GRCh37 (hg19) VCF-style: chr1-154960855-G-A.
Other names: c.356G>A, p.Gly119Asp (NM_001184891.2, NM_201398.3); c.350G>A, p.Gly117Asp (NM_001184892.2); short protein forms G117D, G119D, G216D.
Identifiers: ClinVar variation 3772394 (VCV003772394.13).
Genomic context (GRCh38, chr1:154,988,379, plus strand): 5'-GAGATGAGCTGAAGCCACACCCCAAGTTGGAAGCAGCCACCAAAGCCCTAGGAGGGGAAG[G>A]CTGGGAGAAGCTATCATTGGTGCCCTCCTCTGCCCGCCTGCATTATGGCACAGATCCTTG-3'
Protein context (NP_079483.3, residues 206-226): EAATKALGGE[Gly216Asp]WEKLSLVPSS

ClinVar aggregate classification (germline): Uncertain significance (1 of 4 stars; one submission).

gnomAD v4.1: 1 of 1,614,220 alleles (0.000062%); highest among the groups gnomAD compares: Non-Finnish European, 0.000085%; no homozygotes.

Submission:

CeGaT Center for Human Genetics Tuebingen
Classification: Uncertain significance. Last evaluated: 2025-01-01. Review status: criteria provided, single submitter. Criteria: CeGaT Center For Human Genetics Tuebingen Variant Classification Criteria Version 2. Collection method: clinical testing. Allele origin: germline. Affected: yes. Observed: 1 variant allele.
Comment: FLAD1: PM2, BP4